The following is an entry in ClinVar:

ClinVar aggregate classification (germline): Uncertain significance (1 of 4 stars; one submission).

Conditions:
Alkaptonuria (AKU). Also called: HOMOGENTISIC ACID OXIDASE DEFICIENCY; Alcaptonuria; Homogentisic acidura; Alkaptonuric ochronosis. Identifiers: Orphanet 56, MedGen C0002066, MONDO:0008753, OMIM 203500.

gnomAD v4.1: 1 of 1,542,594 alleles (0.000065%); no homozygotes.

Submission:

Labcorp Genetics (formerly Invitae), Labcorp
Classification: Uncertain significance for Alkaptonuria. Last evaluated: 2024-06-03. Review status: criteria provided, single submitter. Criteria: Invitae Variant Classification Sherloc (09022015). Collection method: clinical testing. Allele origin: germline.
Comment: This sequence change replaces asparagine, which is neutral and polar, with serine, which is neutral and polar, at codon 93 of the HGD protein (p.Asn93Ser). This variant is not present in population databases (gnomAD no frequency). This variant has not been reported in the literature in individuals affected with HGD-related conditions. ClinVar contains an entry for this variant (Variation ID: 2114387). Advanced modeling of protein sequence and biophysical properties (such as structural, functional, and spatial information, amino acid conservation, physicochemical variation, residue mobility, and thermodynamic stability) performed at Invitae indicates that this missense variant is not expected to disrupt HGD protein function with a negative predictive value of 80%. In summary, the available evidence is currently insufficient to determine the role of this variant in disease. Therefore, it has been classified as a Variant of Uncertain Significance.

NM_000187.4(HGD):c.278A>G (p.Asn93Ser)

Gene: HGD (homogentisate 1,2-dioxygenase; minus strand). Cytogenetic location: 3q13.33.
Variant type: single nucleotide variant.
Coding change: c.278A>G on transcript NM_000187.4 (MANE Select); coding-DNA position 278, A replaced by G.
Protein change: p.Asn93Ser; replaces asparagine 93 with serine.
Molecular consequence: missense variant.
Genome position (GRCh38, 1-based): chr3:120,670,431, T>C on the plus strand (A>G on the coding strand, the complement: HGD is on the minus strand). VCF-style: chr3-120670431-T-C. GRCh37 (hg19) VCF-style: chr3-120389278-T-C.
Other names: short protein forms N93S.
Identifiers: ClinVar variation 2114387 (VCV002114387.4), dbSNP rs2472785339, ClinGen allele CA354081025.